The following is an entry in ClinVar:

ClinVar aggregate classification (germline): Uncertain significance (1 of 4 stars; one submission).

gnomAD v4.1: 5 of 1,613,936 alleles (0.00031%); highest among the groups gnomAD compares: Non-Finnish European, 0.00042%; no homozygotes.

Submission:

GeneDx
Classification: Uncertain significance. Last evaluated: 2024-02-06. Review status: criteria provided, single submitter. Criteria: GeneDx Variant Classification Process June 2021. Collection method: clinical testing. Allele origin: germline. Affected: yes.
Comment: In silico analysis supports that this missense variant has a deleterious effect on protein structure/function; Not observed at significant frequency in large population cohorts (gnomAD); Has not been previously published as pathogenic or benign to our knowledge

NM_001206744.2(TPO):c.1805G>T (p.Arg602Leu)

Genes: LALTOP (lung cancer associated lncRNA targeting TOP2A; minus strand), TPO (thyroid peroxidase; plus strand). Cytogenetic location: 2p25.3.
Variant type: single nucleotide variant.
Coding change: c.1805G>T on transcript NM_001206744.2 (MANE Select); coding-DNA position 1805, G replaced by T.
Protein change: p.Arg602Leu; replaces arginine 602 with leucine.
Molecular consequence: missense variant.
Genome position (GRCh38, 1-based): chr2:1,493,838, G>T. VCF-style: chr2-1493838-G-T. GRCh37 (hg19) VCF-style: chr2-1497610-G-T.
Other names: c.1805G>T, p.Arg602Leu (NM_000547.6, NM_175721.3); c.1634G>T, p.Arg545Leu (NM_001206745.2, NM_175719.4); c.1286G>T, p.Arg429Leu (NM_175722.3); short protein forms R429L, R545L, R602L.
Identifiers: ClinVar variation 3368852 (VCV003368852.1).